The following is an entry in ClinVar:

NM_003482.4(KMT2D):c.3213C>T (p.His1071=)

Gene: KMT2D (lysine methyltransferase 2D; minus strand). Cytogenetic location: 12q13.12.
Variant type: single nucleotide variant.
Coding change: c.3213C>T on transcript NM_003482.4 (MANE Select); coding-DNA position 3213, C replaced by T.
Protein change: p.His1071=; no amino-acid change (histidine 1071 retained).
Molecular consequence: synonymous variant.
Genome position (GRCh38, 1-based): chr12:49,050,375, G>A on the plus strand (C>T on the coding strand, the complement: KMT2D is on the minus strand). VCF-style: chr12-49050375-G-A. GRCh37 (hg19) VCF-style: chr12-49444158-G-A.
Other names: c.3213C>T (NM_003482.3).
Identifiers: ClinVar variation 1575822 (VCV001575822.10), dbSNP rs764855825, ClinGen allele CA6548096.

ClinVar aggregate classification (germline): Likely benign. Review status: criteria provided, single submitter (1 of 4 stars). 2 submissions from 2 submitters: Likely benign (1). 1 of the submissions does not count toward it. Last evaluated 2025-08-18.

Conditions:
KMT2D-related disorder. Also called: KMT2D-Related Disorders.
Kabuki syndrome. Also called: NIIKAWA-KUROKI SYNDROME; Kabuki make-up syndrome. Identifiers: Orphanet 2322, MedGen C0796004, MONDO:0016512.

Allele frequency attached by ClinVar (database versions not stated): TOPMed 0.00001; ExAC 0.00005.
gnomAD v4.1: 53 of 1,612,630 alleles (0.0033%); highest among the groups gnomAD compares: South Asian, 0.011%; no homozygotes.

Submissions (2):

Labcorp Genetics (formerly Invitae), Labcorp
Classification: Likely benign for Kabuki syndrome. Last evaluated: 2025-08-18. Review status: criteria provided, single submitter. Criteria: Invitae Variant Classification Sherloc (09022015). Collection method: clinical testing. Allele origin: germline.

PreventionGenetics, part of Exact Sciences
Classification: Likely benign for KMT2D-related condition. Last evaluated: 2023-01-31. Review status: no assertion criteria provided. Collection method: clinical testing. Allele origin: germline. Not counted in ClinVar's aggregate classification.
Comment: This variant is classified as likely benign based on ACMG/AMP sequence variant interpretation guidelines (Richards et al. 2015 PMID: 25741868, with internal and published modifications).